The following is an entry in ClinVar:

NM_000219.6(KCNE1):c.321T>A (p.Tyr107Ter)

Gene: KCNE1 (potassium voltage-gated channel subfamily E regulatory subunit 1; minus strand). Cytogenetic location: 21q22.12.
Variant type: single nucleotide variant.
Coding change: c.321T>A on transcript NM_000219.6 (MANE Select); coding-DNA position 321, T replaced by A.
Protein change: p.Tyr107Ter; replaces tyrosine 107 with a stop codon.
Molecular consequence: nonsense.
Genome position (GRCh38, 1-based): chr21:34,449,314, A>T on the plus strand (T>A on the coding strand, the complement: KCNE1 is on the minus strand). VCF-style: chr21-34449314-A-T. GRCh37 (hg19) VCF-style: chr21-35821612-A-T.
Other names: c.321T>A, p.Tyr107Ter (NM_001127668.4, NM_001127669.4, NM_001127670.4 and 4 more transcripts); short protein forms Y107*.
Identifiers: ClinVar variation 3374632 (VCV003374632.2).

Conditions:
Long QT syndrome 5 (LQT5). Identifiers: Orphanet 101016, Orphanet 768, MedGen C1867904, MONDO:0013372, OMIM 613695.

Submission:

Roden Lab, Vanderbilt University Medical Center
No classification provided (evidence only). Condition: Long QT syndrome 5. Review status: no classification provided. Collection method: in vitro. Allele origin: not applicable. Functional consequence: Effect on ion channel function.
ClinVar note: "not provided" was previously submitted as the classification for the variant. However, the classification appeared to be based only on an observation of functional data so it was converted to no classification on 2025-07-30.